The following is an entry in ClinVar:

ClinVar aggregate classification (germline): Conflicting classifications of pathogenicity. Review status: criteria provided, conflicting classifications (1 of 4 stars). 7 submissions from 7 submitters: Uncertain significance (1); Likely benign (6). Last evaluated 2026-01-16.

Conditions:
TTN-related disorder. Also called: TTN-related condition; TTN-related disease; TTN-related disorders.
Cardiovascular phenotype. Identifiers: MedGen CN230736.
Dilated cardiomyopathy 1G (CMD1G). Identifiers: Orphanet 154, MedGen C1858763, MONDO:0011400, OMIM 604145.
Autosomal recessive limb-girdle muscular dystrophy type 2J (LGMDR10). Also called: Limb-girdle muscular dystrophy, type 2J; MUSCULAR DYSTROPHY, LIMB-GIRDLE, AUTOSOMAL RECESSIVE 10. Identifiers: Orphanet 140922, MedGen C1837342, MONDO:0012127, OMIM 608807.

Allele frequency attached by ClinVar (database versions not stated): gnomAD exomes 0.00001 and 0.00006; ExAC 0.00006; ESP Exome Variant Server 0.00017; TOPMed 0.00023; gnomAD 0.00024; 1000 Genomes Project 0.00080; 1000 Genomes Project 30x 0.00094.
gnomAD v4.1: 59 of 1,613,542 alleles (0.0037%); highest among the groups gnomAD compares: African/African-American, 0.076%; no homozygotes.

Submissions (7):

Labcorp Genetics (formerly Invitae), Labcorp
Classification: Likely benign for Dilated cardiomyopathy 1G; Autosomal recessive limb-girdle muscular dystrophy type 2J. Last evaluated: 2026-01-16. Review status: criteria provided, single submitter. Criteria: Invitae Variant Classification Sherloc (09022015). Collection method: clinical testing. Allele origin: germline.

PreventionGenetics, part of Exact Sciences
Classification: Likely benign for TTN-related condition. Last evaluated: 2025-06-25. Review status: criteria provided, single submitter. Criteria: ACMG Guidelines, 2015. Collection method: clinical testing. Allele origin: germline.
Comment: This variant is classified as likely benign based on ACMG/AMP sequence variant interpretation guidelines (Richards et al. 2015 PMID: 25741868, with internal and published modifications).

Blueprint Genetics
Classification: Likely benign. Last evaluated: 2024-05-28. Review status: criteria provided, single submitter. Criteria: ACMG Guidelines, 2015. Collection method: clinical testing. Allele origin: germline.

Ambry Genetics
Classification: Likely benign for Cardiovascular phenotype. Last evaluated: 2018-03-30. Review status: criteria provided, single submitter. Criteria: Ambry Variant Classification Scheme 2023. Collection method: clinical testing. Allele origin: germline.

GeneDx
Classification: Likely benign. Last evaluated: 2016-11-28. Review status: criteria provided, single submitter. Criteria: GeneDx Variant Classification (06012015). Collection method: clinical testing. Allele origin: germline. Affected: yes.
Comment: This variant is considered likely benign or benign based on one or more of the following criteria: it is a conservative change, it occurs at a poorly conserved position in the protein, it is predicted to be benign by multiple in silico algorithms, and/or has population frequency not consistent with disease.

Eurofins Ntd Llc (ga)
Classification: Uncertain significance. Last evaluated: 2014-12-16. Review status: criteria provided, single submitter. Criteria: EGL Classification Definitions 2015. Collection method: clinical testing. Allele origin: germline. Observed: 1 variant allele, 1 heterozygote.

Laboratory for Molecular Medicine, Mass General Brigham Personalized Medicine
Classification: Likely benign. Last evaluated: 2012-03-19. Review status: criteria provided, single submitter. Criteria: LMM Criteria. Collection method: clinical testing. Allele origin: germline. Observed: 1 variant allele.
Comment: Arg20784Arg in exon 275 of TTN: This variant is not expected to have clinical si gnificance because it does not alter an amino acid residue, is not located withi n the splice consensus sequence. It has been identified in 0.1% (2/3144) of Afri can American chromosomes from a broad population by the NHLBI Exome Sequencing P roject (dbSNP rs75948012). Arg20784Arg in exo n 275 of TTN: (allele frequency = 0.1%, 2/3144; dbSNP rs 75948012) **

NM_001267550.2(TTN):c.70056A>G (p.Arg23352=)

Genes: TTN (titin; minus strand), TTN-AS1 (TTN antisense RNA 1; plus strand), LOC126806422 (BRD4-independent group 4 enhancer GRCh37_chr2:179440205-179441404; plus strand). Cytogenetic location: 2q31.2.
Variant type: single nucleotide variant.
Coding change: c.70056A>G on transcript NM_001267550.2 (MANE Select); coding-DNA position 70056, A replaced by G.
Protein change: p.Arg23352=; no amino-acid change (arginine 23352 retained).
Molecular consequence: synonymous variant.
Genome position (GRCh38, 1-based): chr2:178,576,076, T>C on the plus strand (A>G on the coding strand, the complement: TTN is on the minus strand). VCF-style: chr2-178576076-T-C. GRCh37 (hg19) VCF-style: chr2-179440803-T-C.
Other names: c.65133A>G, p.Arg21711= (NM_001256850.1); c.62352A>G, p.Arg20784= (NM_133378.4); c.42861A>G, p.Arg14287= (NM_003319.4); c.43236A>G, p.Arg14412= (NM_133432.3); c.43437A>G, p.Arg14479= (NM_133437.4).
Identifiers: ClinVar variation 178193 (VCV000178193.23), dbSNP rs75948012, ClinGen allele CA181731.